The following is an entry in ClinVar:

NM_002439.5(MSH3):c.3202T>G (p.Tyr1068Asp)

Gene: MSH3 (mutS homolog 3; plus strand). Cytogenetic location: 5q14.1.
Variant type: single nucleotide variant.
Coding change: c.3202T>G on transcript NM_002439.5 (MANE Select); coding-DNA position 3202, T replaced by G.
Protein change: p.Tyr1068Asp; replaces tyrosine 1068 with aspartic acid.
Molecular consequence: missense variant.
Genome position (GRCh38, 1-based): chr5:80,873,187, T>G. VCF-style: chr5-80873187-T-G. GRCh37 (hg19) VCF-style: chr5-80169006-T-G.
Other names: short protein forms Y1068D.
Identifiers: ClinVar variation 4728220 (VCV004728220.1).

ClinVar aggregate classification (germline): Uncertain significance (1 of 4 stars; one submission).

Submission:

Labcorp Genetics (formerly Invitae), Labcorp
Classification: Uncertain significance. Last evaluated: 2025-10-01. Review status: criteria provided, single submitter. Criteria: Invitae Variant Classification Sherloc (09022015). Collection method: clinical testing. Allele origin: germline.
Comment: This sequence change replaces tyrosine, which is neutral and polar, with aspartic acid, which is acidic and polar, at codon 1068 of the MSH3 protein (p.Tyr1068Asp). This variant is not present in population databases (gnomAD no frequency). This variant has not been reported in the literature in individuals affected with MSH3-related conditions. An algorithm developed to predict the effect of missense changes on protein structure and function (PolyPhen-2) suggests that this variant is likely to be disruptive. In summary, the available evidence is currently insufficient to determine the role of this variant in disease. Therefore, it has been classified as a Variant of Uncertain Significance.